The following is an entry in ClinVar:

ClinVar aggregate classification (germline): Uncertain significance. Review status: criteria provided, multiple submitters, no conflicts (2 of 4 stars). 2 submissions from 2 submitters: Uncertain significance (2). Last evaluated 2024-09-02.

Conditions:
Dyskeratosis congenita. Identifiers: Orphanet 1775, MedGen C0265965, MONDO:0015780.

Allele frequency attached by ClinVar (database versions not stated): TOPMed below 0.00001; gnomAD exomes 0.00001.
gnomAD v4.1: 7 of 1,614,006 alleles (0.00043%); highest among the groups gnomAD compares: East Asian, 0.016%; no homozygotes.

Submissions (2):

Labcorp Genetics (formerly Invitae), Labcorp
Classification: Uncertain significance for Dyskeratosis congenita. Last evaluated: 2024-09-02. Review status: criteria provided, single submitter. Criteria: Invitae Variant Classification Sherloc (09022015). Collection method: clinical testing. Allele origin: germline.
Comment: This sequence change replaces threonine, which is neutral and polar, with serine, which is neutral and polar, at codon 44 of the NHP2 protein (p.Thr44Ser). This variant is present in population databases (no rsID available, gnomAD 0.02%). This variant has not been reported in the literature in individuals affected with NHP2-related conditions. ClinVar contains an entry for this variant (Variation ID: 2183461). An algorithm developed to predict the effect of missense changes on protein structure and function (PolyPhen-2) suggests that this variant is likely to be tolerated. In summary, the available evidence is currently insufficient to determine the role of this variant in disease. Therefore, it has been classified as a Variant of Uncertain Significance.

Ambry Genetics
Classification: Uncertain significance for Dyskeratosis congenita. Last evaluated: 2024-05-26. Review status: criteria provided, single submitter. Criteria: Ambry Variant Classification Scheme 2023. Collection method: clinical testing. Allele origin: germline.

NM_017838.4(NHP2):c.130A>T (p.Thr44Ser)

Gene: NHP2 (NHP2 ribonucleoprotein; minus strand). Cytogenetic location: 5q35.3.
Variant type: single nucleotide variant.
Coding change: c.130A>T on transcript NM_017838.4 (MANE Select); coding-DNA position 130, A replaced by T.
Protein change: p.Thr44Ser; replaces threonine 44 with serine.
Molecular consequence: missense variant.
Genome position (GRCh38, 1-based): chr5:178,153,688, T>A on the plus strand (A>T on the coding strand, the complement: NHP2 is on the minus strand). VCF-style: chr5-178153688-T-A. GRCh37 (hg19) VCF-style: chr5-177580689-T-A.
Other names: c.130A>T, p.Thr44Ser (NM_001034833.2, NM_001396110.1); short protein forms T44S.
Identifiers: ClinVar variation 2183461 (VCV002183461.5), dbSNP rs1439042075, ClinGen allele CA362392821.
Genomic context (GRCh38, chr5:178,153,688, plus strand): 5'-CCATCCCGGCCACGCCGCCGTCCGCCTCACCTTTCTTGATGCATTTGTAGAGCTTCCGCG[T>A]GAGGCGGCGAGAAGCCAGGGGCTGCGCGATGGGGTTCTGGTTGACCAGCAGCTCCTGGTA-3'
Protein context (NP_060308.1, residues 34-54): IAQPLASRRL[Thr44Ser]RKLYKCIKKA